The following is an entry in ClinVar:

NM_015311.3(OBSL1):c.3995G>A (p.Arg1332Gln)

Gene: OBSL1 (obscurin like cytoskeletal adaptor 1; minus strand). Cytogenetic location: 2q35.
Variant type: single nucleotide variant.
Coding change: c.3995G>A on transcript NM_015311.3 (MANE Select); coding-DNA position 3995, G replaced by A.
Protein change: p.Arg1332Gln; replaces arginine 1332 with glutamine.
Molecular consequence: missense variant.
Genome position (GRCh38, 1-based): chr2:219,557,414, C>T on the plus strand (G>A on the coding strand, the complement: OBSL1 is on the minus strand). VCF-style: chr2-219557414-C-T. GRCh37 (hg19) VCF-style: chr2-220422136-C-T.
Other names: c.3995G>A (NM_015311.2); c.3995G>A, p.Arg1332Gln (NM_001173431.2); short protein forms R1332Q.
Identifiers: ClinVar variation 1007880 (VCV001007880.9), dbSNP rs1402861976, ClinGen allele CA350732834.

ClinVar aggregate classification (germline): Uncertain significance. Review status: criteria provided, multiple submitters, no conflicts (2 of 4 stars). 2 submissions from 2 submitters: Uncertain significance (2). Last evaluated 2023-12-18.

Conditions:
Inborn genetic diseases. Identifiers: MedGen C0950123, MeSH D030342.

Allele frequency attached by ClinVar (database versions not stated): gnomAD exomes 0.00002 and 0.00007; gnomAD 0.00003; TOPMed 0.00005.
gnomAD v4.1: 31 of 1,548,266 alleles (0.002%); highest among the groups gnomAD compares: East Asian, 0.0049%; no homozygotes.

Submissions (2):

Ambry Genetics
Classification: Uncertain significance for Inborn genetic diseases. Last evaluated: 2023-12-18. Review status: criteria provided, single submitter. Criteria: Ambry Variant Classification Scheme 2023. Collection method: clinical testing. Allele origin: germline.

Labcorp Genetics (formerly Invitae), Labcorp
Classification: Uncertain significance. Last evaluated: 2020-04-12. Review status: criteria provided, single submitter. Criteria: Invitae Variant Classification Sherloc (09022015). Collection method: clinical testing. Allele origin: germline.
Comment: This sequence change replaces arginine with glutamine at codon 1332 of the OBSL1 protein (p.Arg1332Gln). The arginine residue is weakly conserved and there is a small physicochemical difference between arginine and glutamine. This variant is not present in population databases (ExAC no frequency). This variant has not been reported in the literature in individuals with OBSL1-related conditions. Algorithms developed to predict the effect of missense changes on protein structure and function output the following: SIFT: "Tolerated"; PolyPhen-2: "Benign"; Align-GVGD: "Class C0". The glutamine amino acid residue is found in multiple mammalian species, suggesting that this missense change does not adversely affect protein function. These predictions have not been confirmed by published functional studies and their clinical significance is uncertain. In summary, the available evidence is currently insufficient to determine the role of this variant in disease. Therefore, it has been classified as a Variant of Uncertain Significance.